The following is an entry in ClinVar:

NM_017617.5(NOTCH1):c.6645G>A (p.Ser2215=)

Gene: NOTCH1 (notch receptor 1; minus strand). Cytogenetic location: 9q34.3.
Variant type: single nucleotide variant.
Coding change: c.6645G>A on transcript NM_017617.5 (MANE Select); coding-DNA position 6645, G replaced by A.
Protein change: p.Ser2215=; no amino-acid change (serine 2215 retained).
Molecular consequence: synonymous variant.
Genome position (GRCh38, 1-based): chr9:136,497,094, C>T on the plus strand (G>A on the coding strand, the complement: NOTCH1 is on the minus strand). VCF-style: chr9-136497094-C-T. GRCh37 (hg19) VCF-style: chr9-139391546-C-T.
Other names: c.6645G>A (NM_017617.4).
Identifiers: ClinVar variation 1673483 (VCV001673483.12), dbSNP rs745339419, ClinGen allele CA5339858.

ClinVar aggregate classification (germline): Likely benign. Review status: criteria provided, multiple submitters, no conflicts (2 of 4 stars). 3 submissions from 3 submitters: Likely benign (2). 1 of the submissions does not count toward it. Last evaluated 2025-03-05.

Conditions:
Adams-Oliver syndrome 5 (AOS5). Identifiers: Orphanet 974, MedGen C4014970, MONDO:0014459, OMIM 616028.
NOTCH1-related disorder. Also called: NOTCH1-related disorders; NOTCH1-related condition.
Familial thoracic aortic aneurysm and aortic dissection (TAAD). Also called: Thoracic aortic aneurysms and dissections. Identifiers: Orphanet 91387, MedGen C4707243, MONDO:0019625.

Allele frequency attached by ClinVar (database versions not stated): gnomAD 0.00001; ExAC 0.00002; TOPMed 0.00005.
gnomAD v4.1: 24 of 1,609,580 alleles (0.0015%); highest among the groups gnomAD compares: East Asian, 0.0045%; no homozygotes.

Submissions (3):

Labcorp Genetics (formerly Invitae), Labcorp
Classification: Likely benign for Adams-Oliver syndrome 5. Last evaluated: 2025-03-05. Review status: criteria provided, single submitter. Criteria: Invitae Variant Classification Sherloc (09022015). Collection method: clinical testing. Allele origin: germline.

Ambry Genetics
Classification: Likely benign for Familial thoracic aortic aneurysm and aortic dissection. Last evaluated: 2021-04-02. Review status: criteria provided, single submitter. Criteria: Ambry Variant Classification Scheme 2023. Collection method: clinical testing. Allele origin: germline.

PreventionGenetics, part of Exact Sciences
Classification: Likely benign for NOTCH1-related condition. Last evaluated: 2019-07-12. Review status: no assertion criteria provided. Collection method: clinical testing. Allele origin: germline. Not counted in ClinVar's aggregate classification.
Comment: This variant is classified as likely benign based on ACMG/AMP sequence variant interpretation guidelines (Richards et al. 2015 PMID: 25741868, with internal and published modifications).